The following is an entry in ClinVar:

NM_005422.4(TECTA):c.3511G>A (p.Val1171Met)

Genes: TBCEL-TECTA (TBCEL-TECTA readthrough; plus strand), TECTA (tectorin alpha; plus strand). Cytogenetic location: 11q23.3.
Variant type: single nucleotide variant.
Coding change: c.3511G>A on transcript NM_005422.4 (MANE Select); coding-DNA position 3511, G replaced by A.
Protein change: p.Val1171Met; replaces valine 1171 with methionine.
Molecular consequence: missense variant.
Genome position (GRCh38, 1-based): chr11:121,137,990, G>A. VCF-style: chr11-121137990-G-A. GRCh37 (hg19) VCF-style: chr11-121008699-G-A.
Other names: c.4468G>A, p.Val1490Met (NM_001378761.1); short protein forms V1171M, V1490M.
Identifiers: ClinVar variation 303015 (VCV000303015.21), dbSNP rs186780639, ClinGen allele CA6327217.
Genomic context (GRCh38, chr11:121,137,990, plus strand): 5'-GACCCGTCACTGGCCTTGTGGGTTAAGCAGGTGGACGTGACCGTGTTTGGCTACAGCATC[G>A]TGATCCACCGAGCTTACAAGCACACTGTGCTGGTGAGTAGTCATGAGGTCCCCTCAAAAG-3'
Protein context (NP_005413.2, residues 1161-1181): VDVTVFGYSI[Val1171Met]IHRAYKHTVL

ClinVar aggregate classification (germline): Conflicting classifications of pathogenicity. Review status: criteria provided, conflicting classifications (1 of 4 stars). 6 submissions from 5 submitters: Uncertain significance (2); Likely benign (4). Last evaluated 2026-02-23.

Conditions:
TECTA-related disorder. Also called: TECTA-related condition.
Autosomal recessive nonsyndromic hearing loss 21. Identifiers: Orphanet 90636, MedGen C1863655, MONDO:0011351, OMIM 603629.
Autosomal dominant nonsyndromic hearing loss 12. Also called: DEAFNESS, AUTOSOMAL DOMINANT 8. Identifiers: Orphanet 90635, MedGen C1832187, MONDO:0011102, OMIM 601543.

Allele frequency attached by ClinVar (database versions not stated): gnomAD 0.00008 and 0.00016; TOPMed 0.00015; gnomAD exomes 0.00023 and 0.00026; ExAC 0.00028; 1000 Genomes Project 30x 0.00062; 1000 Genomes Project 0.00080.
gnomAD v4.1: 387 of 1,613,716 alleles (0.024%); highest among the groups gnomAD compares: East Asian, 0.83%; 3 homozygotes.

Submissions (6):

PreventionGenetics, part of Exact Sciences
Classification: Likely benign for TECTA-related condition. Last evaluated: 2026-02-23. Review status: criteria provided, single submitter. Criteria: ACMG Guidelines, 2015. Collection method: clinical testing. Allele origin: germline.
Comment: This variant is classified as likely benign based on ACMG/AMP sequence variant interpretation guidelines (Richards et al. 2015 PMID: 25741868, with internal and published modifications).

Labcorp Genetics (formerly Invitae), Labcorp
Classification: Likely benign. Last evaluated: 2022-05-17. Review status: criteria provided, single submitter. Criteria: Invitae Variant Classification Sherloc (09022015). Collection method: clinical testing. Allele origin: germline.

GeneDx
Classification: Uncertain significance. Last evaluated: 2021-04-12. Review status: criteria provided, single submitter. Criteria: GeneDx Variant Classification Process June 2021. Collection method: clinical testing. Allele origin: germline. Affected: yes.
Comment: Identified in patients with hearing loss in published literature, although specific genotype and phenotype information were not provided for the affected individuals (Miyagawa et al., 2013; Chen et al., 2016); Reported as a non-pathogenic variant without additional details (Yamamoto et al., 2017; Azaiez et al., 2018); In silico analysis supports that this missense variant does not alter protein structure/function; Located in the von Willebrand factor type D3 region of the zonadhesin domain (Hildebrand et al., 2011); This variant is associated with the following publications: (PMID: 30245029, 28946916, 27610647, 23967202)

Illumina Laboratory Services, Illumina
Classification: Likely benign for Autosomal dominant nonsyndromic hearing loss 12. Last evaluated: 2018-01-13. Review status: criteria provided, single submitter. Criteria: ICSL Variant Classification Criteria 13 December 2019. Collection method: clinical testing. Allele origin: germline.
Comment: This variant was observed in the ICSL laboratory as part of a predisposition screen in an ostensibly healthy population. It had not been previously curated by ICSL or reported in the Human Gene Mutation Database (HGMD: prior to June 1st, 2018), and was therefore a candidate for classification through an automated scoring system. Utilizing variant allele frequency, disease prevalence and penetrance estimates, and inheritance mode, an automated score was calculated to assess if this variant is too frequent to cause the disease. Based on the score and internal cut-off values, a variant classified as likely benign is not then subjected to further curation. The score for this variant resulted in a classification of likely benign for this disease.

Illumina Laboratory Services, Illumina
Classification: Uncertain significance for Autosomal recessive nonsyndromic hearing loss 21. Last evaluated: 2018-01-13. Review status: criteria provided, single submitter. Criteria: ICSL Variant Classification Criteria 13 December 2019. Collection method: clinical testing. Allele origin: germline.

Laboratory for Molecular Medicine, Mass General Brigham Personalized Medicine
Classification: Likely benign. Last evaluated: 2016-06-07. Review status: criteria provided, single submitter. Criteria: LMM Criteria. Collection method: clinical testing. Allele origin: germline. Observed: 1 variant allele.
Comment: p.Val1171Met in exon 10 of TECTA: This variant is not expected to have clinical significance because it has been identified in 0.4% (33/8586) of East Asian chro mosomes by the Exome Aggregation Consortium (ExAC, g; dbSNP rs186780639).

Literature cited by the submitters: PubMed 23967202 (cited by Laboratory for Molecular Medicine, Mass General Brigham Personalized Medicine).